The following is an entry in ClinVar:

ClinVar aggregate classification (germline): Pathogenic (1 of 4 stars; one submission).

Conditions:
Hypertrophic cardiomyopathy 4. Also called: Familial hypertrophic cardiomyopathy 4. Identifiers: MedGen C1861862, MONDO:0007268, OMIM 115197.

Submission:

Molecular Genetics Laboratory, Motol Hospital
Classification: Pathogenic for Hypertrophic cardiomyopathy 4. Last evaluated: 2026-06-04. Review status: criteria provided, single submitter. Criteria: ACMG Guidelines, 2015. Collection method: clinical testing. Allele origin: germline. Affected: yes. Observed: 1 variant allele.
Comment: A rare variant not present in non-Finnish European population (PM2). Rare truncating variants in the MYBPC3 gene are associated with autosomal dominant familial hypertrophic cardiomyopathy (PVS1). The variant is classified as pathogenic.

Literature cited by the submitters: PubMed 31877118; PubMed 37445689; PubMed 11499719.

NM_000256.3(MYBPC3):c.3236del (p.Gly1079fs)

Gene: MYBPC3 (myosin binding protein C3; minus strand). Cytogenetic location: 11p11.2.
Variant type: Deletion.
Coding change: c.3236del on transcript NM_000256.3 (MANE Select); coding-DNA position 3236, one base deleted (G; older notation c.3236delG).
Protein change: p.Gly1079fs; shifts the reading frame from glycine 1079.
Molecular consequence: frameshift variant.
Genome position (GRCh38, 1-based): chr11:47,333,288, C deleted on the plus strand (G on the coding strand, the reverse complement: MYBPC3 is on the minus strand); the first of 4 consecutive C bases (chr11:47,333,288-47,333,291); deleting any one gives the same sequence. VCF-style (leftmost placement, unchanged base first): chr11-47333287-AC-A. GRCh37 (hg19) VCF-style: chr11-47354838-AC-A.
Other names: short protein forms G1079fs.
Identifiers: ClinVar variation 4856623 (VCV004856623.1).